The following is an entry in ClinVar:

ClinVar aggregate classification (germline): Uncertain significance. Review status: criteria provided, multiple submitters, no conflicts (2 of 4 stars). 2 submissions from 2 submitters: Uncertain significance (2). Last evaluated 2026-05-07.

Conditions:
Cardiovascular phenotype. Identifiers: MedGen CN230736.
Primary dilated cardiomyopathy (DCM). Also called: Dilated Cardiomyopathy. Identifiers: Orphanet 217604, MedGen C0007193, MeSH D002311, MONDO:0005021, HP:0001644. Inheritance: Various modes of inheritance.

Allele frequency attached by ClinVar (database versions not stated): TOPMed 0.00002.
gnomAD v4.1: 13 of 1,613,080 alleles (0.00081%); highest among the groups gnomAD compares: Middle Eastern, 0.016%; no homozygotes.

Submissions (2):

Ambry Genetics
Classification: Uncertain significance for Cardiovascular phenotype. Last evaluated: 2026-05-07. Review status: criteria provided, single submitter. Criteria: Ambry Variant Classification Scheme 2023. Collection method: clinical testing. Allele origin: germline.
Comment: The p.K482T variant (also known as c.1445A>C), located in coding exon 16 of the TXNRD2 gene, results from an A to C substitution at nucleotide position 1445. The amino acid change results in lysine to threonine at codon 482, an amino acid with similar properties. However, this change occurs in the last base pair of coding exon 16, which makes it likely to have some effect on normal mRNA splicing. This amino acid position is well conserved in available vertebrate species. In addition, the in silico prediction for this alteration is inconclusive. The evidence for this gene-disease relationship is limited; therefore, the clinical significance of this variant is unclear.

Labcorp Genetics (formerly Invitae), Labcorp
Classification: Uncertain significance for Primary dilated cardiomyopathy. Last evaluated: 2024-10-31. Review status: criteria provided, single submitter. Criteria: Invitae Variant Classification Sherloc (09022015). Collection method: clinical testing. Allele origin: germline.
Comment: This sequence change replaces lysine, which is basic and polar, with threonine, which is neutral and polar, at codon 482 of the TXNRD2 protein (p.Lys482Thr). This variant is not present in population databases (gnomAD no frequency). This variant has not been reported in the literature in individuals affected with TXNRD2-related conditions. ClinVar contains an entry for this variant (Variation ID: 1003342). An algorithm developed to predict the effect of missense changes on protein structure and function (PolyPhen-2) suggests that this variant is likely to be disruptive. In summary, the available evidence is currently insufficient to determine the role of this variant in disease. Therefore, it has been classified as a Variant of Uncertain Significance.

NM_006440.5(TXNRD2):c.1445A>C (p.Lys482Thr)

Gene: TXNRD2 (thioredoxin reductase 2; minus strand). Cytogenetic location: 22q11.21.
Variant type: single nucleotide variant.
Coding change: c.1445A>C on transcript NM_006440.5 (MANE Select); coding-DNA position 1445, A replaced by C.
Protein change: p.Lys482Thr; replaces lysine 482 with threonine.
Molecular consequence: missense variant. On other transcripts: non-coding transcript variant (1).
Genome position (GRCh38, 1-based): chr22:19,878,090, T>G on the plus strand (A>C on the coding strand, the complement: TXNRD2 is on the minus strand). VCF-style: chr22-19878090-T-G. GRCh37 (hg19) VCF-style: chr22-19865613-T-G.
Other names: c.1442A>C, p.Lys481Thr (NM_001352300.2); c.1355A>C, p.Lys452Thr (NM_001352301.2); c.1157A>C, p.Lys386Thr (NM_001352302.2); c.1445A>C (NM_006440.3); short protein forms K386T, K452T, K481T, K482T.
Identifiers: ClinVar variation 1003342 (VCV001003342.8), dbSNP rs763072970, ClinGen allele CA410691690.
Genomic context (GRCh38, chr22:19,878,090, plus strand): 5'-CGGCACTCGAGGGATACCCAGCTGCACATCGCATCGCAGCCTGCATTCCTCGGGACTTAC[T>G]TGATCCCCAGAGCAAATCCTTGAGTAACTTCGCCTGCGTTGGGGCCAAGGAAATGCAGGC-3'
Protein context (NP_006431.2, residues 472-492): EVTQGFALGI[Lys482Thr]CGASYAQVMR